The following is an entry in ClinVar:

ClinVar aggregate classification (germline): Likely benign. Review status: criteria provided, multiple submitters, no conflicts (2 of 4 stars). 3 submissions from 3 submitters: Likely benign (2). 1 of the submissions does not count toward it. Last evaluated 2025-12-16.

Conditions:
SIRT1-related disorder. Also called: SIRT1-related condition.

Allele frequency attached by ClinVar (database versions not stated): gnomAD 0.00030 and 0.00031; 1000 Genomes Project 30x 0.00031; 1000 Genomes Project 0.00040; TOPMed 0.00047; gnomAD exomes 0.00049; ExAC 0.00577.
gnomAD v4.1: 284 of 1,315,368 alleles (0.022%); highest among the groups gnomAD compares: Middle Eastern, 0.14%; 1 homozygote.

Submissions (3):

Labcorp Genetics (formerly Invitae), Labcorp
Classification: Likely benign. Last evaluated: 2025-12-16. Review status: criteria provided, single submitter. Criteria: Invitae Variant Classification Sherloc (09022015). Collection method: clinical testing. Allele origin: germline.

Breakthrough Genomics
Classification: Likely benign. Review status: criteria provided, single submitter. Criteria: ACMG Guidelines, 2015. Collection method: not provided. Allele origin: germline. Inheritance: Unknown mechanism. Affected: yes.

PreventionGenetics, part of Exact Sciences
Classification: Likely benign for SIRT1-related condition. Last evaluated: 2022-03-09. Review status: no assertion criteria provided. Collection method: clinical testing. Allele origin: germline. Not counted in ClinVar's aggregate classification.
Comment: This variant is classified as likely benign based on ACMG/AMP sequence variant interpretation guidelines (Richards et al. 2015 PMID: 25741868, with internal and published modifications).

NM_012238.5(SIRT1):c.290C>A (p.Ala97Glu)

Genes: SIRT1 (sirtuin 1; plus strand), LOC107832851 (SIRT1 promoter region; plus strand). Cytogenetic location: 10q21.3.
Variant type: single nucleotide variant.
Coding change: c.290C>A on transcript NM_012238.5 (MANE Select); coding-DNA position 290, C replaced by A.
Protein change: p.Ala97Glu; replaces alanine 97 with glutamic acid.
Molecular consequence: missense variant.
Genome position (GRCh38, 1-based): chr10:67,885,011, C>A. VCF-style: chr10-67885011-C-A. GRCh37 (hg19) VCF-style: chr10-69644769-C-A.
Other names: c.290C>A (NM_012238.4); short protein forms A97E.
Identifiers: ClinVar variation 1559401 (VCV001559401.11), dbSNP rs550317521, ClinGen allele CA5520980.
Genomic context (GRCh38, chr10:67,885,011, plus strand): 5'-GGGAGGCGGAGGCAGAGGCGGCGGCGGCAGGCGGGGAGCAAGAGGCCCAGGCGACTGCGG[C>A]GGCTGGGGAAGGAGACAATGGGCCGGGCCTGCAGGGCCCATCTCGGGAGCCACCGCTGGC-3'
Protein context (NP_036370.2, residues 87-107): GGEQEAQATA[Ala97Glu]AGEGDNGPGL